The following is an entry in ClinVar:

ClinVar aggregate classification (germline): Uncertain significance (1 of 4 stars; one submission).

Allele frequency attached by ClinVar (database versions not stated): ExAC 0.00002; gnomAD 0.00001; gnomAD exomes below 0.00001; TOPMed 0.00001.
gnomAD v4.1: 9 of 1,613,946 alleles (0.00056%); highest among the groups gnomAD compares: Admixed American, 0.0067%; no homozygotes.

Submission:

Labcorp Genetics (formerly Invitae), Labcorp
Classification: Uncertain significance. Last evaluated: 2022-06-14. Review status: criteria provided, single submitter. Criteria: Invitae Variant Classification Sherloc (09022015). Collection method: clinical testing. Allele origin: germline.
Comment: This sequence change replaces arginine, which is basic and polar, with glutamine, which is neutral and polar, at codon 251 of the LRRC8A protein (p.Arg251Gln). This variant is present in population databases (rs758307862, gnomAD 0.01%). This variant has not been reported in the literature in individuals affected with LRRC8A-related conditions. Algorithms developed to predict the effect of missense changes on protein structure and function (SIFT, PolyPhen-2, Align-GVGD) all suggest that this variant is likely to be disruptive. In summary, the available evidence is currently insufficient to determine the role of this variant in disease. Therefore, it has been classified as a Variant of Uncertain Significance.

NM_019594.4(LRRC8A):c.752G>A (p.Arg251Gln)

Gene: LRRC8A (leucine rich repeat containing 8 VRAC subunit A; plus strand). Cytogenetic location: 9q34.11.
Variant type: single nucleotide variant.
Coding change: c.752G>A on transcript NM_019594.4 (MANE Select); coding-DNA position 752, G replaced by A.
Protein change: p.Arg251Gln; replaces arginine 251 with glutamine.
Molecular consequence: missense variant.
Genome position (GRCh38, 1-based): chr9:128,907,916, G>A. VCF-style: chr9-128907916-G-A. GRCh37 (hg19) VCF-style: chr9-131670195-G-A.
Other names: c.752G>A, p.Arg251Gln (NM_001127244.2, NM_001127245.2); short protein forms R251Q.
Identifiers: ClinVar variation 2065393 (VCV002065393.4), dbSNP rs758307862, ClinGen allele CA5270766.